The following is an entry in ClinVar:

ClinVar aggregate classification (germline): Uncertain significance. Review status: criteria provided, single submitter (1 of 4 stars). 2 submissions from 2 submitters: Uncertain significance (1). 1 of the submissions does not count toward it. Last evaluated 2025-01-06.

Conditions:
Intellectual disability. Also called: intellectual disabilities; Intellectual developmental disorder; Intellectual functioning disability. Identifiers: MedGen C3714756, MeSH D008607, MONDO:0001071, HP:0001249.

gnomAD v4.1: 2 of 1,041,234 alleles (0.00019%); highest among the groups gnomAD compares: Non-Finnish European, 0.00023%; no homozygotes.

Submissions (2):

Labcorp Genetics (formerly Invitae), Labcorp
Classification: Uncertain significance. Last evaluated: 2025-01-06. Review status: criteria provided, single submitter. Criteria: Invitae Variant Classification Sherloc (09022015). Collection method: clinical testing. Allele origin: germline.
Comment: This sequence change replaces glutamic acid, which is acidic and polar, with lysine, which is basic and polar, at codon 30 of the GRIN2D protein (p.Glu30Lys). The frequency data for this variant in the population databases is considered unreliable, as metrics indicate insufficient coverage at this position in the gnomAD database. This variant has not been reported in the literature in individuals affected with GRIN2D-related conditions. ClinVar contains an entry for this variant (Variation ID: 975560). Invitae Evidence Modeling of protein sequence and biophysical properties (such as structural, functional, and spatial information, amino acid conservation, physicochemical variation, residue mobility, and thermodynamic stability) indicates that this missense variant is not expected to disrupt GRIN2D protein function with a negative predictive value of 95%. In summary, the available evidence is currently insufficient to determine the role of this variant in disease. Therefore, it has been classified as a Variant of Uncertain Significance.

Centre de Biologie Pathologie Génétique, Centre Hospitalier Universitaire de Lille
Classification: Likely benign for Intellectual disability. Last evaluated: 2019-01-01. Review status: no assertion criteria provided. Collection method: clinical testing. Allele origin: inherited. Affected: yes. Not counted in ClinVar's aggregate classification.

NM_000836.4(GRIN2D):c.88G>A (p.Glu30Lys)

Gene: GRIN2D (glutamate ionotropic receptor NMDA type subunit 2D; plus strand). Cytogenetic location: 19q13.33.
Variant type: single nucleotide variant.
Coding change: c.88G>A on transcript NM_000836.4 (MANE Select); coding-DNA position 88, G replaced by A.
Protein change: p.Glu30Lys; replaces glutamic acid 30 with lysine.
Molecular consequence: missense variant.
Genome position (GRCh38, 1-based): chr19:48,398,480, G>A. VCF-style: chr19-48398480-G-A. GRCh37 (hg19) VCF-style: chr19-48901737-G-A.
Other names: short protein forms E30K.
Identifiers: ClinVar variation 975560 (VCV000975560.7), dbSNP rs1970669406, ClinGen allele CA406688258.